The following is an entry in ClinVar:

NM_000222.3(KIT):c.2762T>G (p.Val921Gly)

Gene: KIT (KIT proto-oncogene, receptor tyrosine kinase; plus strand). Cytogenetic location: 4q12.
Variant type: single nucleotide variant.
Coding change: c.2762T>G on transcript NM_000222.3 (MANE Select); coding-DNA position 2762, T replaced by G.
Protein change: p.Val921Gly; replaces valine 921 with glycine.
Molecular consequence: missense variant.
Genome position (GRCh38, 1-based): chr4:54,737,240, T>G. VCF-style: chr4-54737240-T-G. GRCh37 (hg19) VCF-style: chr4-55603406-T-G.
Other names: c.2747T>G, p.Val916Gly (NM_001385286.1); c.2753T>G, p.Val918Gly (NM_001385288.1); c.2762T>G, p.Val921Gly (NM_001385290.1); c.2750T>G, p.Val917Gly (NM_001385292.1, NM_001093772.2); c.2765T>G, p.Val922Gly (NM_001385284.1); c.2759T>G, p.Val920Gly (NM_001385285.1); short protein forms V918G, V920G, V916G, V917G, V922G, V921G.
Identifiers: ClinVar variation 2587866 (VCV002587866.2), dbSNP rs2475585570, ClinGen allele CA356914461.

ClinVar aggregate classification (germline): Uncertain significance (1 of 4 stars; one submission).

Conditions:
Hereditary cancer-predisposing syndrome. Also called: Tumor predisposition; Hereditary Cancer Syndrome; Hereditary neoplastic syndrome; Neoplastic Syndromes, Hereditary. Identifiers: Orphanet 140162, MedGen C0027672, MeSH D009386, MONDO:0015356.

Submission:

Ambry Genetics
Classification: Uncertain significance for Hereditary cancer-predisposing syndrome. Last evaluated: 2023-08-11. Review status: criteria provided, single submitter. Criteria: Ambry Variant Classification Scheme 2023. Collection method: clinical testing. Allele origin: germline.
Comment: The p.V921G variant (also known as c.2762T>G), located in coding exon 20 of the KIT gene, results from a T to G substitution at nucleotide position 2762. The valine at codon 921 is replaced by glycine, an amino acid with dissimilar properties. This amino acid position is conserved. In addition, this alteration is predicted to be deleterious by in silico analysis. Since supporting evidence is limited at this time, the clinical significance of this alteration remains unclear.